The following is an entry in ClinVar:

ClinVar aggregate classification (germline): Uncertain significance (1 of 4 stars; one submission).

Conditions:
Familial Mediterranean fever (FMF). Also called: Periodic peritonitis; Benign paroxysmal peritonitis; POLYSEROSITIS, FAMILIAL PAROXYSMAL; POLYSEROSITIS, RECURRENT. Identifiers: Orphanet 342, MedGen C0031069, MONDO:0018088, OMIM 249100. Disease mechanism: gain of function.

Submission:

Labcorp Genetics (formerly Invitae), Labcorp
Classification: Uncertain significance for Familial Mediterranean fever. Last evaluated: 2022-10-05. Review status: criteria provided, single submitter. Criteria: Invitae Variant Classification Sherloc (09022015). Collection method: clinical testing. Allele origin: germline.
Comment: This variant is a gross deletion of the genomic region encompassing exon(s) 5-10 of the MEFV gene, which includes the termination codon. This deletion extends beyond the assayed region for this gene and therefore may encompass additional genes. While this deletion is not anticipated to lead to nonsense mediated decay, it is expected to alter mRNA translation or result in a truncated protein product. This variant has not been reported in the literature in individuals affected with MEFV-related conditions. Experimental studies and prediction algorithms are not available or were not evaluated, and the functional significance of this variant is currently unknown. In summary, the available evidence is currently insufficient to determine the role of this variant in disease. Therefore, it has been classified as a Variant of Uncertain Significance.

NC_000016.9:g.(?_3293141)_(3297266_?)del

Gene: MEFV (MEFV innate immunity regulator, pyrin; minus strand). Cytogenetic location: 16p13.3.
Variant type: Deletion.
Identifiers: ClinVar variation 1409259 (VCV001409259.4).